The following is an entry in ClinVar:

ClinVar aggregate classification (germline): Pathogenic. Review status: criteria provided, multiple submitters, no conflicts (2 of 4 stars). 2 submissions from 2 submitters: Pathogenic (2). Last evaluated 2025-12-24.

Conditions:
Cardiovascular phenotype. Identifiers: MedGen CN230736.
Myofibrillar myopathy 5. Also called: FILAMINOPATHY, AUTOSOMAL DOMINANT; Filaminopathy (type). Identifiers: Orphanet 171445, MedGen C1836050, MONDO:0012289, OMIM 609524.
Distal myopathy with posterior leg and anterior hand involvement. Also called: WILLIAMS DISTAL MYOPATHY. Identifiers: Orphanet 63273, MedGen C3279722, MONDO:0013550, OMIM 614065.
Hypertrophic cardiomyopathy 26. Also called: Cardiomyopathy, familial hypertrophic, 26. Identifiers: Orphanet 75249, MedGen C4310749, MONDO:0014883, OMIM 617047.

Submissions (2):

Labcorp Genetics (formerly Invitae), Labcorp
Classification: Pathogenic for Distal myopathy with posterior leg and anterior hand involvement; Myofibrillar myopathy 5; Hypertrophic cardiomyopathy 26. Last evaluated: 2025-12-24. Review status: criteria provided, single submitter. Criteria: Invitae Variant Classification Sherloc (09022015). Collection method: clinical testing. Allele origin: germline.
Comment: This sequence change creates a premature translational stop signal (p.Gln224Argfs*28) in the FLNC gene. It is expected to result in an absent or disrupted protein product. Loss-of-function variants in FLNC are known to be pathogenic (PMID: 27908349). This variant is not present in population databases (gnomAD no frequency). This variant has not been reported in the literature in individuals affected with FLNC-related conditions. ClinVar contains an entry for this variant (Variation ID: 1368137). For these reasons, this variant has been classified as Pathogenic.

Ambry Genetics
Classification: Pathogenic for Cardiovascular phenotype. Last evaluated: 2025-04-22. Review status: criteria provided, single submitter. Criteria: Ambry Variant Classification Scheme 2023. Collection method: clinical testing. Allele origin: germline.
Comment: The c.671delA variant, located in coding exon 3 of the FLNC gene, results from a deletion of one nucleotide at nucleotide position 671, causing a translational frameshift with a predicted alternate stop codon (p.Q224Rfs*28). This variant is considered to be rare based on population cohorts in the Genome Aggregation Database (gnomAD). This alteration is expected to result in loss of function by premature protein truncation or nonsense-mediated mRNA decay. As such, this alteration is interpreted as a disease-causing mutation for FLNC-related dilated cardiomyopathy; however, its clinical significance for FLNC-related hypertrophic/restrictive cardiomyopathy and/or skeletal myopathy is uncertain.

Literature cited by the submitters: PubMed 27908349 (cited by Labcorp Genetics (formerly Invitae), Labcorp).

NM_001458.5(FLNC):c.671del (p.Gln224fs)

Gene: FLNC (filamin C; plus strand). Cytogenetic location: 7q32.1.
Variant type: Deletion.
Coding change: c.671del on transcript NM_001458.5 (MANE Select); coding-DNA position 671, one base deleted (A; older notation c.671delA).
Protein change: p.Gln224fs; shifts the reading frame from glutamine 224.
Molecular consequence: frameshift variant.
Genome position (GRCh38, 1-based): chr7:128,837,229, A deleted. VCF-style (leftmost placement, unchanged base first): chr7-128837228-CA-C. GRCh37 (hg19) VCF-style: chr7-128477282-CA-C.
Other names: c.671del, p.Gln224fs (NM_001127487.2); c.671delA (NM_001458.4); short protein forms Q224fs.
Identifiers: ClinVar variation 1368137 (VCV001368137.7), dbSNP rs2128934076, ClinGen allele CA2573141754.